The following is an entry in ClinVar:

ClinVar aggregate classification (germline): Likely benign (1 of 4 stars; one submission).

Allele frequency attached by ClinVar (database versions not stated): TOPMed below 0.00001; gnomAD 0.00001.
gnomAD v4.1: 2 of 1,614,010 alleles (0.00012%); highest among the groups gnomAD compares: Non-Finnish European, 0.00017%; no homozygotes.

Submission:

CeGaT Center for Human Genetics Tuebingen
Classification: Likely benign. Last evaluated: 2022-04-01. Review status: criteria provided, single submitter. Criteria: CeGaT Center For Human Genetics Tuebingen Variant Classification Criteria Version 2. Collection method: clinical testing. Allele origin: germline. Affected: yes. Observed: 1 variant allele.
Comment: CD8A: BP4, BP7

NM_001768.7(CD8A):c.240G>C (p.Ala80=)

Gene: CD8A (CD8 subunit alpha; minus strand). Cytogenetic location: 2p11.2.
Variant type: single nucleotide variant.
Coding change: c.240G>C on transcript NM_001768.7 (MANE Select); coding-DNA position 240, G replaced by C.
Protein change: p.Ala80=; no amino-acid change (alanine 80 retained).
Molecular consequence: synonymous variant. On other transcripts: non-coding transcript variant (3).
Genome position (GRCh38, 1-based): chr2:86,790,491, C>G on the plus strand (G>C on the coding strand, the complement: CD8A is on the minus strand). VCF-style: chr2-86790491-C-G. GRCh37 (hg19) VCF-style: chr2-87017614-C-G.
Other names: c.240G>C, p.Ala80= (NM_001145873.1, NM_001382698.1, NM_171827.4).
Identifiers: ClinVar variation 2651103 (VCV002651103.24), dbSNP rs755909430, ClinGen allele CA51408102.
Genomic context (GRCh38, chr2:86,790,491, plus strand): 5'-GAGGACGAAGGTGTCCCCCAACCTCTTGCCCGAGAACCGCTGGGTGTCCAGCCCCTCGGC[C>G]GCCTTGGGCTTGTTTTGGGAGAGGTATAGGAGGAAGGTGGGACTGGCGGCGGCGCCGCGC-3'
Protein context (NP_001759.3, residues 70-90): LLYLSQNKPK[Ala80=]AEGLDTQRFS